The following is an entry in ClinVar:

NM_024675.4(PALB2):c.2755G>T (p.Val919Leu)

Gene: PALB2 (partner and localizer of BRCA2; minus strand). Cytogenetic location: 16p12.2.
Variant type: single nucleotide variant.
Coding change: c.2755G>T on transcript NM_024675.4 (MANE Select); coding-DNA position 2755, G replaced by T.
Protein change: p.Val919Leu; replaces valine 919 with leucine.
Molecular consequence: missense variant.
Genome position (GRCh38, 1-based): chr16:23,624,088, C>A on the plus strand (G>T on the coding strand, the complement: PALB2 is on the minus strand). VCF-style: chr16-23624088-C-A. GRCh37 (hg19) VCF-style: chr16-23635409-C-A.
Other names: short protein forms V919L.
Identifiers: ClinVar variation 922142 (VCV000922142.8), dbSNP rs775193384, ClinGen allele CA395145247.

ClinVar aggregate classification (germline): Uncertain significance. Review status: criteria provided, multiple submitters, no conflicts (2 of 4 stars). 3 submissions from 3 submitters: Uncertain significance (3). Last evaluated 2026-07-06.

Conditions:
Hereditary cancer-predisposing syndrome. Also called: Neoplastic Syndromes, Hereditary; Hereditary Cancer Syndrome; Tumor predisposition; Hereditary neoplastic syndrome. Identifiers: Orphanet 140162, MedGen C0027672, MeSH D009386, MONDO:0015356.
Familial cancer of breast. Also called: Hereditary breast cancer; BREAST CANCER, FAMILIAL; hereditary breast carcinoma. Identifiers: Orphanet 227535, MedGen C0346153, MONDO:0016419, OMIM 114480. Disease mechanism: loss of function.

gnomAD v4.1: 1 of 1,604,984 alleles (0.000062%); highest among the groups gnomAD compares: East Asian, 0.0022%; no homozygotes.

Submissions (3):

Ambry Genetics
Classification: Uncertain significance for Hereditary cancer-predisposing syndrome. Last evaluated: 2026-07-06. Review status: criteria provided, single submitter. Criteria: Ambry Variant Classification Scheme 2023. Collection method: clinical testing. Allele origin: germline.
Comment: The p.V919L variant (also known as c.2755G>T), located in coding exon 8 of the PALB2 gene, results from a G to T substitution at nucleotide position 2755. The valine at codon 919 is replaced by leucine, an amino acid with highly similar properties. This amino acid position is conserved. In addition, this alteration is predicted to be tolerated by in silico analysis. Based on the available evidence, the clinical significance of this variant remains unclear.

Color Diagnostics, LLC DBA Color Health
Classification: Uncertain significance for Hereditary cancer-predisposing syndrome. Last evaluated: 2024-03-06. Review status: criteria provided, single submitter. Criteria: ACMG Guidelines, 2015. Collection method: clinical testing. Allele origin: germline.
Comment: This missense variant replaces valine with leucine at codon 919 of the PALB2 protein. Computational prediction suggests that this variant may not impact protein structure and function (internally defined REVEL score threshold <= 0.5, PMID: 27666373). Splice site prediction tools suggest that this variant may create a splice acceptor site. However, this prediction has not been confirmed in published RNA studies. To our knowledge, functional studies have not been performed for this variant. This variant has not been reported in individuals affected with hereditary cancer in the literature. This variant has been identified in 1/249880 chromosomes in the general population by the Genome Aggregation Database (gnomAD). The available evidence is insufficient to determine the role of this variant in disease conclusively. Therefore, this variant is classified as a Variant of Uncertain Significance.

Labcorp Genetics (formerly Invitae), Labcorp
Classification: Uncertain significance for Familial cancer of breast. Last evaluated: 2023-12-16. Review status: criteria provided, single submitter. Criteria: Invitae Variant Classification Sherloc (09022015). Collection method: clinical testing. Allele origin: germline.
Comment: This sequence change replaces valine, which is neutral and non-polar, with leucine, which is neutral and non-polar, at codon 919 of the PALB2 protein (p.Val919Leu). This variant is present in population databases (no rsID available, gnomAD 0.006%). This variant has not been reported in the literature in individuals affected with PALB2-related conditions. ClinVar contains an entry for this variant (Variation ID: 922142). Advanced modeling of protein sequence and biophysical properties (such as structural, functional, and spatial information, amino acid conservation, physicochemical variation, residue mobility, and thermodynamic stability) performed at Invitae indicates that this missense variant is expected to disrupt PALB2 protein function with a positive predictive value of 80%. In summary, the available evidence is currently insufficient to determine the role of this variant in disease. Therefore, it has been classified as a Variant of Uncertain Significance.